The following is an entry in ClinVar:

NM_024675.4(PALB2):c.88A>G (p.Lys30Glu)

Gene: PALB2 (partner and localizer of BRCA2; minus strand). Cytogenetic location: 16p12.2.
Variant type: single nucleotide variant.
Coding change: c.88A>G on transcript NM_024675.4 (MANE Select); coding-DNA position 88, A replaced by G.
Protein change: p.Lys30Glu; replaces lysine 30 with glutamic acid.
Molecular consequence: missense variant.
Genome position (GRCh38, 1-based): chr16:23,638,090, T>C on the plus strand (A>G on the coding strand, the complement: PALB2 is on the minus strand). VCF-style: chr16-23638090-T-C. GRCh37 (hg19) VCF-style: chr16-23649411-T-C.
Other names: short protein forms K30E.
Identifiers: ClinVar variation 1025014 (VCV001025014.9), dbSNP rs1967110881, ClinGen allele CA395139707.

ClinVar aggregate classification (germline): Uncertain significance (1 of 4 stars; one submission).

Conditions:
Familial cancer of breast. Also called: Hereditary breast cancer; BREAST CANCER, FAMILIAL; hereditary breast carcinoma. Identifiers: Orphanet 227535, MedGen C0346153, MONDO:0016419, OMIM 114480. Disease mechanism: loss of function.

Allele frequency attached by ClinVar (database versions not stated): gnomAD exomes below 0.00001.
gnomAD v4.1: 1 of 1,614,092 alleles (0.000062%); highest among the groups gnomAD compares: South Asian, 0.0011%; no homozygotes.

Submission:

Labcorp Genetics (formerly Invitae), Labcorp
Classification: Uncertain significance for Familial cancer of breast. Last evaluated: 2023-10-13. Review status: criteria provided, single submitter. Criteria: Invitae Variant Classification Sherloc (09022015). Collection method: clinical testing. Allele origin: germline.
Comment: This sequence change replaces lysine, which is basic and polar, with glutamic acid, which is acidic and polar, at codon 30 of the PALB2 protein (p.Lys30Glu). This variant is not present in population databases (gnomAD no frequency). This variant has not been reported in the literature in individuals affected with PALB2-related conditions. ClinVar contains an entry for this variant (Variation ID: 1025014). An algorithm developed to predict the effect of missense changes on protein structure and function (PolyPhen-2) suggests that this variant is likely to be disruptive. In summary, the available evidence is currently insufficient to determine the role of this variant in disease. Therefore, it has been classified as a Variant of Uncertain Significance.